The following is an entry in ClinVar:

NM_000124.4(ERCC6):c.879A>T (p.Arg293Ser)

Gene: ERCC6 (ERCC excision repair 6, chromatin remodeling factor; minus strand). Cytogenetic location: 10q11.23.
Variant type: single nucleotide variant.
Coding change: c.879A>T on transcript NM_000124.4 (MANE Select); coding-DNA position 879, A replaced by T.
Protein change: p.Arg293Ser; replaces arginine 293 with serine.
Molecular consequence: missense variant.
Genome position (GRCh38, 1-based): chr10:49,524,551, T>A on the plus strand (A>T on the coding strand, the complement: ERCC6 is on the minus strand). VCF-style: chr10-49524551-T-A. GRCh37 (hg19) VCF-style: chr10-50732597-T-A.
Other names: c.879A>T, p.Arg293Ser (NM_001277058.2, NM_001277059.2, NM_001346440.2); c.879A>T (NM_000124.2); short protein forms R293S.
Identifiers: ClinVar variation 1049147 (VCV001049147.7), dbSNP rs563356062, ClinGen allele CA5496422.

ClinVar aggregate classification (germline): Conflicting classifications of pathogenicity. Review status: criteria provided, conflicting classifications (1 of 4 stars). 3 submissions from 3 submitters: Uncertain significance (1); Likely benign (1). 1 of the submissions does not count toward it. Last evaluated 2025-10-29.

Conditions:
Inborn genetic diseases. Identifiers: MedGen C0950123, MeSH D030342.

Allele frequency attached by ClinVar (database versions not stated): gnomAD 0.00001; gnomAD exomes 0.00005 and 0.00009; ExAC 0.00010; 1000 Genomes Project 30x 0.00016; 1000 Genomes Project 0.00020.
gnomAD v4.1: 69 of 1,614,268 alleles (0.0043%); highest among the groups gnomAD compares: South Asian, 0.07%; 1 homozygote.

Submissions (3):

Ambry Genetics
Classification: Uncertain significance for Inborn genetic diseases. Last evaluated: 2025-10-29. Review status: criteria provided, single submitter. Criteria: Ambry Variant Classification Scheme 2023. Collection method: clinical testing. Allele origin: germline.

Labcorp Genetics (formerly Invitae), Labcorp
Classification: Likely benign. Last evaluated: 2024-03-16. Review status: criteria provided, single submitter. Criteria: Invitae Variant Classification Sherloc (09022015). Collection method: clinical testing. Allele origin: germline.

Department of Pathology and Laboratory Medicine, Sinai Health System
Classification: Uncertain significance. Review status: no assertion criteria provided. Collection method: clinical testing. Allele origin: unknown. Affected: yes. Study: The Canadian Open Genetics Repository (COGR). Not counted in ClinVar's aggregate classification.
Comment: The ERCC6 p.Arg293Ser variant was not identified in the literature nor was it identified in ClinVar or LOVD 3.0. The variant was identified in dbSNP (ID: rs563356062) and in control databases in 22 of 251074 chromosomes (1 homozygous) at a frequency of 0.00008762 (Genome Aggregation Database March 6, 2019, v2.1.1). The variant was observed in the following populations: South Asian in 22 of 30616 chromosomes (freq: 0.000719), but was not observed in the African, Latino, Ashkenazi Jewish, East Asian, European (Finnish), European (non-Finnish), or Other populations. The p.Arg293 residue is conserved in mammals and computational analyses (PolyPhen-2, SIFT, AlignGVGD, BLOSUM, MutationTaster) provide inconsistent predictions regarding the impact to the protein; this information is not very predictive of pathogenicity. The variant occurs outside of the splicing consensus sequence and in silico or computational prediction software programs (SpliceSiteFinder, MaxEntScan, NNSPLICE, GeneSplicer) do not predict a difference in splicing. In summary, based on the above information the clinical significance of this variant cannot be determined with certainty at this time. This variant is classified as a variant of uncertain significance.